The following is an entry in ClinVar:

NM_024642.5(GALNT12):c.602G>A (p.Arg201His)

Gene: GALNT12 (polypeptide N-acetylgalactosaminyltransferase 12; plus strand). Cytogenetic location: 9q22.33.
Variant type: single nucleotide variant.
Coding change: c.602G>A on transcript NM_024642.5 (MANE Select); coding-DNA position 602, G replaced by A.
Protein change: p.Arg201His; replaces arginine 201 with histidine.
Molecular consequence: missense variant.
Genome position (GRCh38, 1-based): chr9:98,826,812, G>A. VCF-style: chr9-98826812-G-A. GRCh37 (hg19) VCF-style: chr9-101589094-G-A.
Other names: short protein forms R201H.
Identifiers: ClinVar variation 826144 (VCV000826144.6), dbSNP rs776800914, ClinGen allele CA374217469.

ClinVar aggregate classification (germline): Uncertain significance. Review status: criteria provided, multiple submitters, no conflicts (2 of 4 stars). 2 submissions from 2 submitters: Uncertain significance (2). Last evaluated 2024-02-22.

Conditions:
Colorectal cancer, susceptibility to, 1. Also called: COLORECTAL ADENOMA AND CANCER, SUSCEPTIBILITY TO; COLORECTAL CANCER, SUSCEPTIBILITY TO, ON CHROMOSOME 9. Identifiers: MedGen C1837315, MONDO:0012132, OMIM 608812.

Submissions (2):

Baylor Genetics
Classification: Uncertain significance for Colorectal cancer, susceptibility to, 1. Last evaluated: 2024-02-22. Review status: criteria provided, single submitter. Criteria: ACMG Guidelines, 2015. Collection method: clinical testing. Allele origin: unknown.

Ambry Genetics
Classification: Uncertain significance. Last evaluated: 2024-02-09. Review status: criteria provided, single submitter. Criteria: Ambry Variant Classification Scheme 2023. Collection method: clinical testing. Allele origin: germline.
Comment: The p.R201H variant (also known as c.602G>A), located in coding exon 3 of the GALNT12 gene, results from a G to A substitution at nucleotide position 602. The arginine at codon 201 is replaced by histidine, an amino acid with highly similar properties. This amino acid position is highly conserved in available vertebrate species. In addition, this alteration is predicted to be deleterious by in silico analysis. Since supporting evidence is limited at this time, the clinical significance of this alteration remains unclear.